The following is an entry in ClinVar:

NM_000352.6(ABCC8):c.4119+10C>T

Gene: ABCC8 (ATP binding cassette subfamily C member 8; minus strand). Cytogenetic location: 11p15.1.
Variant type: single nucleotide variant.
Coding change: c.4119+10C>T on transcript NM_000352.6 (MANE Select); 10 bases into the intron after coding-DNA position 4119, C replaced by T.
Molecular consequence: intron variant.
Genome position (GRCh38, 1-based): chr11:17,396,906, G>A on the plus strand (C>T on the coding strand, the complement: ABCC8 is on the minus strand). VCF-style: chr11-17396906-G-A. GRCh37 (hg19) VCF-style: chr11-17418453-G-A.
Other names: c.4119+10C>T (NM_000352.4, NM_001351296.2); c.4116+10C>T (NM_001351297.2); c.4185+10C>T (NM_001351295.2); c.4122+10C>T (NM_001287174.3).
Identifiers: ClinVar variation 989957 (VCV000989957.12), dbSNP rs201955628, ClinGen allele CA218409491.

ClinVar aggregate classification (germline): Conflicting classifications of pathogenicity. Review status: criteria provided, conflicting classifications (1 of 4 stars). 5 submissions from 4 submitters: Uncertain significance (2); Likely benign (1). 2 of the submissions do not count toward it. Last evaluated 2023-11-06.

Conditions:
Maturity-onset diabetes of the young (MODY). Also called: Maturity onset diabetes mellitus in young. Identifiers: Orphanet 552, MedGen C0342276, MONDO:0018911, HP:0004904.
Transitory neonatal diabetes mellitus. Also called: Transient neonatal diabetes mellitus. Identifiers: MedGen C0342273, MONDO:0020525, HP:0008255.
Hereditary hyperinsulinism.
ABCC8-related disorder.

Allele frequency attached by ClinVar (database versions not stated): gnomAD 0.00001; gnomAD exomes 0.00001; TOPMed 0.00001.
gnomAD v4.1: 9 of 1,613,498 alleles (0.00056%); highest among the groups gnomAD compares: Middle Eastern, 0.016%; no homozygotes.

Submissions (5):

Labcorp Genetics (formerly Invitae), Labcorp
Classification: Likely benign. Last evaluated: 2023-11-06. Review status: criteria provided, single submitter. Criteria: Invitae Variant Classification Sherloc (09022015). Collection method: clinical testing. Allele origin: germline.

Clinical Genomics, Uppaluri K&H Personalized Medicine Clinic
Classification: Uncertain significance for Maturity-onset diabetes of the young. Review status: criteria provided, single submitter. Criteria: K & H Uppaluri Personalized Medicine Clinic Variant Classification & Assertion Criteria_Updated V.1. Collection method: research. Allele origin: somatic. Inheritance: Somatic mutation.
Comment: Mutations in ABCC8 gene are associated with both neonatal diabetes mellitus as well as MODY. Patients with this mutation may have a better response to sulfonylureas. However, no sufficient evidence is found to ascertain the role of this particular variant ( rs201955628) in MODY yet.

Clinical Genomics, Uppaluri K&H Personalized Medicine Clinic
Classification: Uncertain significance for Transitory neonatal diabetes mellitus. Review status: criteria provided, single submitter. Criteria: K & H Uppaluri Personalized Medicine Clinic Variant Classification & Assertion Criteria_Updated V.1. Collection method: research. Allele origin: somatic. Inheritance: Somatic mutation.
Comment: Mutations in ABCC8 gene are associated with both neonatal diabetes mellitus as well as MODY. Patients with this mutation may have a better response to sulfonylureas. However, no sufficient evidence is found to ascertain the role of this particular variant ( rs201955628 ) in neonatal diabetes yet.

Natera, Inc.
Classification: Uncertain significance for Hereditary hyperinsulinism. Last evaluated: 2020-04-10. Review status: no assertion criteria provided. Collection method: clinical testing. Allele origin: germline. Not counted in ClinVar's aggregate classification.

PreventionGenetics, part of Exact Sciences
Classification: Likely benign for ABCC8-related condition. Last evaluated: 2019-06-11. Review status: no assertion criteria provided. Collection method: clinical testing. Allele origin: germline. Not counted in ClinVar's aggregate classification.
Comment: This variant is classified as likely benign based on ACMG/AMP sequence variant interpretation guidelines (Richards et al. 2015 PMID: 25741868, with internal and published modifications).

Literature cited by the submitters: PubMed 16885549 (cited by Clinical Genomics, Uppaluri K&H Personalized Medicine Clinic); PubMed 21989597 (cited by Clinical Genomics, Uppaluri K&H Personalized Medicine Clinic); PubMed 27538677 (cited by Clinical Genomics, Uppaluri K&H Personalized Medicine Clinic); PubMed 18981553 (cited by Clinical Genomics, Uppaluri K&H Personalized Medicine Clinic); PubMed 32027066 (cited by Clinical Genomics, Uppaluri K&H Personalized Medicine Clinic); PubMed 16613899 (cited by Clinical Genomics, Uppaluri K&H Personalized Medicine Clinic); PubMed 18025408 (cited by Clinical Genomics, Uppaluri K&H Personalized Medicine Clinic); PubMed 32792356 (cited by Clinical Genomics, Uppaluri K&H Personalized Medicine Clinic).